The following is an entry in ClinVar:

NM_000051.3:c.364_365insAlu

Gene: ATM (ATM serine/threonine kinase; plus strand). Cytogenetic location: 11q22.3.
Variant type: Insertion.
Identifiers: ClinVar variation 870258 (VCV000870258.1).

ClinVar aggregate classification (germline): Pathogenic (1 of 4 stars; one submission).

Conditions:
Ataxia-telangiectasia syndrome (AT). Also called: Cerebello-oculocutaneous telangiectasia; Immunodeficiency with ataxia telangiectasia; Ataxia-telangiectasia, complementation group D; AT, COMPLEMENTATION GROUP C; Ataxia-telangiectasia; LOUIS-BAR SYNDROME. Identifiers: Orphanet 100, MedGen C0004135, MONDO:0008840, OMIM 208900.

Submission:

Labcorp Genetics (formerly Invitae), Labcorp
Classification: Pathogenic for Ataxia-telangiectasia syndrome. Last evaluated: 2019-07-05. Review status: criteria provided, single submitter. Criteria: Invitae Variant Classification Sherloc (09022015). Collection method: clinical testing. Allele origin: germline.
Comment: This sequence change inserts a large fragment of DNA, likely a transposable element, in exon 5 of the ATM gene (c.364_365delinsAlu), causing a frameshift at codon 122 (p.Asnfs). The exact size and sequence of the insertion cannot be determined by the current assay. However, the insertion is expected to result in an absent or disrupted protein product. This variant is not present in population databases (ExAC no frequency). This variant has not been reported in the literature in individuals with ATM-related conditions. Retrotransposon insertions including LINE1 (L1), Alu, and SVA (SINE-VNTR-Alu) have been reported to be disease-causing through disruption of either a coding region or splice site (PMID: 19763152, 20307669, 22406018) and loss-of-function variants in ATM are known to be pathogenic (PMID: 23807571, 25614872). For these reasons, this variant has been classified as Pathogenic.

Literature cited by the submitters: PubMed 25614872; PubMed 20307669; PubMed 22406018; PubMed 23807571; PubMed 19763152.